The following is an entry in ClinVar:

NM_001308093.3(GATA4):c.1262C>G (p.Thr421Ser)

Gene: GATA4 (GATA binding protein 4). Cytogenetic location: 8p23.1.
Variant type: single nucleotide variant.
Coding change: c.1262C>G on transcript NM_001308093.3 (MANE Select); coding-DNA position 1262, C replaced by G.
Protein change: p.Thr421Ser; replaces threonine 421 with serine.
Molecular consequence: missense variant.
Genome position (GRCh38, 1-based): chr8:11,758,405, C>G. VCF-style: chr8-11758405-C-G. GRCh37 (hg19) VCF-style: chr8-11615914-C-G.
Other names: c.641C>G, p.Thr214Ser (NM_001308094.2, NM_001374273.1); c.515C>G, p.Thr172Ser (NM_001374274.1); c.1259C>G, p.Thr420Ser (NM_002052.5); short protein forms T172S, T214S, T420S, T421S.
Identifiers: ClinVar variation 1302315 (VCV001302315.7), dbSNP rs114839964, ClinGen allele CA370315750.

ClinVar aggregate classification (germline): Uncertain significance. Review status: criteria provided, multiple submitters, no conflicts (2 of 4 stars). 2 submissions from 2 submitters: Uncertain significance (2). Last evaluated 2025-05-11.

Conditions:
Atrioventricular septal defect 4 (AVSD4). Identifiers: MedGen C3280781, MONDO:0013747, OMIM 614430.

Allele frequency attached by ClinVar (database versions not stated): TOPMed below 0.00001; gnomAD 0.00001.
gnomAD v4.1: 7 of 1,614,132 alleles (0.00043%); highest among the groups gnomAD compares: Admixed American, 0.0017%; no homozygotes.

Submissions (2):

Labcorp Genetics (formerly Invitae), Labcorp
Classification: Uncertain significance for Atrioventricular septal defect 4. Last evaluated: 2025-05-11. Review status: criteria provided, single submitter. Criteria: Invitae Variant Classification Sherloc (09022015). Collection method: clinical testing. Allele origin: germline.
Comment: This sequence change replaces threonine, which is neutral and polar, with serine, which is neutral and polar, at codon 420 of the GATA4 protein (p.Thr420Ser). This variant is not present in population databases (gnomAD no frequency). This variant has not been reported in the literature in individuals affected with GATA4-related conditions. ClinVar contains an entry for this variant (Variation ID: 1302315). Invitae Evidence Modeling of protein sequence and biophysical properties (such as structural, functional, and spatial information, amino acid conservation, physicochemical variation, residue mobility, and thermodynamic stability) indicates that this missense variant is not expected to disrupt GATA4 protein function with a negative predictive value of 95%. In summary, the available evidence is currently insufficient to determine the role of this variant in disease. Therefore, it has been classified as a Variant of Uncertain Significance.

GeneDx
Classification: Uncertain significance. Last evaluated: 2019-05-10. Review status: criteria provided, single submitter. Criteria: GeneDx Variant Classification Process June 2021. Collection method: clinical testing. Allele origin: germline. Affected: yes.
Comment: Has not been previously published as pathogenic or benign to our knowledge; Not observed in large population cohorts (Lek et al., 2016); In silico analysis, which includes protein predictors and evolutionary conservation, supports that this variant does not alter protein structure/function